The following is an entry in ClinVar:

ClinVar aggregate classification (germline): Benign. Review status: criteria provided, multiple submitters, no conflicts (2 of 4 stars). 3 submissions from 3 submitters: Benign (3). Last evaluated 2018-09-22.

Conditions:
Phenylketonuria (PKU). Also called: FOLLING DISEASE; OLIGOPHRENIA PHENYLPYRUVICA; Phenylketonuria (PKU); Phenylketonurias. Identifiers: Orphanet 716, MedGen C0031485, MONDO:0009861, OMIM 261600. Disease mechanism: loss of function.

Allele frequency attached by ClinVar (database versions not stated): gnomAD exomes 0.20129; gnomAD 0.32335 and 0.31301; 1000 Genomes Project 0.29253; 1000 Genomes Project 30x 0.30606; TOPMed 0.33750.
gnomAD v4.1: 141,597 of 617,870 alleles (23%); highest among the groups gnomAD compares: African/African-American, 58%; 21,634 homozygotes.

Submissions (3):

GeneDx
Classification: Benign. Last evaluated: 2018-09-22. Review status: criteria provided, single submitter. Criteria: GeneDx Variant Classification Process June 2021. Collection method: clinical testing. Allele origin: germline. Affected: yes.

Illumina Laboratory Services, Illumina
Classification: Benign for Phenylketonuria. Last evaluated: 2018-01-13. Review status: criteria provided, single submitter. Criteria: ICSL Variant Classification Criteria 13 December 2019. Collection method: clinical testing. Allele origin: germline.
Comment: This variant was observed in the ICSL laboratory as part of a predisposition screen in an ostensibly healthy population. It had not been previously curated by ICSL or reported in the Human Gene Mutation Database (HGMD: prior to June 1st, 2018), and was therefore a candidate for classification through an automated scoring system. Utilizing variant allele frequency, disease prevalence and penetrance estimates, and inheritance mode, an automated score was calculated to assess if this variant is too frequent to cause the disease. Based on the score and internal cut-off values, a variant classified as benign is not then subjected to further curation. The score for this variant resulted in a classification of benign for this disease.

Breakthrough Genomics
Classification: Benign. Review status: criteria provided, single submitter. Criteria: ACMG Guidelines, 2015. Collection method: not provided. Allele origin: germline. Inheritance: Autosomal recessive inheritance. Affected: yes.

NM_000277.3(PAH):c.*187G>A

Gene: PAH (phenylalanine hydroxylase; minus strand). Cytogenetic location: 12q23.2.
Variant type: single nucleotide variant.
Coding change: c.*187G>A on transcript NM_000277.3 (MANE Select); 187 bases downstream of the stop codon, G replaced by A.
Molecular consequence: 3 prime UTR variant.
Genome position (GRCh38, 1-based): chr12:102,838,988, C>T on the plus strand (G>A on the coding strand, the complement: PAH is on the minus strand). VCF-style: chr12-102838988-C-T. GRCh37 (hg19) VCF-style: chr12-103232766-C-T.
Other names: c.*187G>A (NM_001354304.2).
Identifiers: ClinVar variation 306911 (VCV000306911.9), dbSNP rs1801153, ClinGen allele CA10640706.
Genomic context (GRCh38, chr12:102,838,988, plus strand): 5'-GAGAGTATGGGATTATCATCTCTAAATCAAAGATGACCCCAAAAGATTTACCATTATGCT[C>T]TTGAGTATGTACTCATATCCTGTCATTTCAGATTATTTTGACTTATTTGTTGTTTCTCCA-3'